The following is an entry in ClinVar:

NM_003465.3(CHIT1):c.1060G>A (p.Gly354Arg)

Gene: CHIT1 (chitinase 1; minus strand). Cytogenetic location: 1q32.1.
Variant type: single nucleotide variant.
Coding change: c.1060G>A on transcript NM_003465.3 (MANE Select); coding-DNA position 1060, G replaced by A.
Protein change: p.Gly354Arg; replaces glycine 354 with arginine.
Molecular consequence: missense variant. On other transcripts: non-coding transcript variant (2).
Genome position (GRCh38, 1-based): chr1:203,217,835, C>T on the plus strand (G>A on the coding strand, the complement: CHIT1 is on the minus strand). VCF-style: chr1-203217835-C-T. GRCh37 (hg19) VCF-style: chr1-203186963-C-T.
Other names: c.1003G>A, p.Gly335Arg (NM_001256125.2); short protein forms G354R, G335R.
Identifiers: ClinVar variation 472285 (VCV000472285.14), dbSNP rs9943208, ClinGen allele CA1339681.
Genomic context (GRCh38, chr1:203,217,835, plus strand): 5'-GGCCCTGGTTGCAGGAGAAGCCGGCAAAGTCATCTAAGTCCAGTGCCCAGACCATGGCCC[C>T]GCCCAGTCCCTTCTGCTTCAGATAGCTGACCTGTGCAGGGAGGGGATGCAGTGGAGGAGC-3'
Protein context (NP_003456.1, residues 344-364): VSYLKQKGLG[Gly354Arg]AMVWALDLDD

ClinVar aggregate classification (germline): Benign/Likely benign. Review status: criteria provided, multiple submitters, no conflicts (2 of 4 stars). 4 submissions from 4 submitters: Benign (1); Likely benign (2). 1 of the submissions does not count toward it. Last evaluated 2019-11-18.

Conditions:
Chitotriosidase deficiency (CHITD). Identifiers: MedGen C3279902, OMIM 614122, MONDO:0013586.

Allele frequency attached by ClinVar (database versions not stated): 1000 Genomes Project 0.02536; gnomAD 0.02394 and 0.02564; TOPMed 0.02729; gnomAD exomes 0.00237 and 0.00619; ExAC 0.00797; 1000 Genomes Project 30x 0.02655; ESP Exome Variant Server 0.02676.

Submissions (4):

Labcorp Genetics (formerly Invitae), Labcorp
Classification: Benign for Chitotriosidase deficiency. Last evaluated: 2019-11-18. Review status: criteria provided, single submitter. Criteria: Invitae Variant Classification Sherloc (09022015). Collection method: clinical testing. Allele origin: germline.

Illumina Laboratory Services, Illumina
Classification: Likely benign for Chitotriosidase deficiency. Last evaluated: 2017-04-27. Review status: criteria provided, single submitter. Criteria: ICSL Variant Classification Criteria 13 December 2019. Collection method: clinical testing. Allele origin: germline.
Comment: This variant was observed as part of a predisposition screen in an ostensibly healthy population. A literature search was performed for the gene, cDNA change, and amino acid change (where applicable). Publications were found based on this search. The evidence from the literature, in combination with allele frequency data from public databases where available, was sufficient to determine this variant is unlikely to cause disease. Therefore, this variant is classified as likely benign.

Breakthrough Genomics
Classification: Likely benign. Review status: criteria provided, single submitter. Criteria: ACMG Guidelines, 2015. Collection method: not provided. Allele origin: germline. Inheritance: Autosomal recessive inheritance. Affected: yes.

Mayo Clinic Laboratories, Mayo Clinic
Classification: Uncertain significance. Last evaluated: 2015-12-16. Review status: no assertion criteria provided. Collection method: clinical testing. Allele origin: unknown. Not counted in ClinVar's aggregate classification.

Literature cited by the submitters: PubMed 23430552 (cited by Illumina Laboratory Services, Illumina); PubMed 23430794 (cited by Illumina Laboratory Services, Illumina); PubMed 17693102 (cited by Illumina Laboratory Services, Illumina); PubMed 17464953 (cited by Illumina Laboratory Services, Illumina).